The following is an entry in ClinVar:

NM_001166108.2(PALLD):c.1965-13003C>T

Gene: PALLD (palladin, cytoskeletal associated protein; plus strand). Cytogenetic location: 4q32.3.
Variant type: single nucleotide variant.
Coding change: c.1965-13003C>T on transcript NM_001166108.2 (MANE Select); 13003 bases into the intron before coding-DNA position 1965, C replaced by T.
Molecular consequence: intron variant. On other transcripts: missense variant (1).
Genome position (GRCh38, 1-based): chr4:168,877,919, C>T. VCF-style: chr4-168877919-C-T. GRCh37 (hg19) VCF-style: chr4-169799070-C-T.
Other names: c.28C>T, p.Pro10Ser (NM_001166110.2); c.1965-13003C>T (NM_016081.4); c.819-13003C>T (NM_001166109.2); c.-157-13003C>T (NM_001367570.1, NM_001367568.1, NM_001367567.1 and 1 more transcripts); short protein forms P10S.
Identifiers: ClinVar variation 3413681 (VCV003413681.1).

ClinVar aggregate classification (germline): Uncertain significance (1 of 4 stars; one submission).

Submission:

Ambry Genetics
Classification: Uncertain significance. Last evaluated: 2024-12-08. Review status: criteria provided, single submitter. Criteria: Ambry Variant Classification Scheme 2023. Collection method: clinical testing. Allele origin: germline.
Comment: The p.P10S variant (also known as c.28C>T), located in coding exon 1 of the PALLD gene, results from a C to T substitution at nucleotide position 28. The proline at codon 10 is replaced by serine, an amino acid with similar properties. This amino acid position is conserved. In addition, this alteration is predicted to be tolerated by in silico analysis. Based on the available evidence, the clinical significance of this variant remains unclear.